The following is an entry in ClinVar:

NM_058216.3(RAD51C):c.705+4T>G

Genes: RAD51C (RAD51 paralog C; plus strand), LOC129390903 (MPRA-validated peak2919 silencer; plus strand). Cytogenetic location: 17q22.
Variant type: single nucleotide variant.
Coding change: c.705+4T>G on transcript NM_058216.3 (MANE Select); 4 bases into the intron after coding-DNA position 705, T replaced by G.
Molecular consequence: intron variant.
Genome position (GRCh38, 1-based): chr17:58,703,333, T>G. VCF-style: chr17-58703333-T-G. GRCh37 (hg19) VCF-style: chr17-56780694-T-G.
Other names: c.705+4T>G (LRG_314t1).
Identifiers: ClinVar variation 409867 (VCV000409867.14), dbSNP rs778157321, ClinGen allele CA16615742.

ClinVar aggregate classification (germline): Conflicting classifications of pathogenicity. Review status: criteria provided, conflicting classifications (1 of 4 stars). 3 submissions from 3 submitters: Uncertain significance (1); Likely benign (2). Last evaluated 2024-10-28.

Conditions:
Fanconi anemia complementation group O. Also called: RAD51C-Related Fanconi Anemia. Identifiers: Orphanet 84, MedGen C3150653, MONDO:0013248, OMIM 613390.
Hereditary cancer-predisposing syndrome. Also called: Hereditary neoplastic syndrome; Neoplastic Syndromes, Hereditary; Tumor predisposition; Hereditary Cancer Syndrome. Identifiers: Orphanet 140162, MedGen C0027672, MeSH D009386, MONDO:0015356.

Allele frequency attached by ClinVar (database versions not stated): TOPMed below 0.00001.

Submissions (3):

Labcorp Genetics (formerly Invitae), Labcorp
Classification: Uncertain significance for Fanconi anemia complementation group O. Last evaluated: 2024-10-28. Review status: criteria provided, single submitter. Criteria: Invitae Variant Classification Sherloc (09022015). Collection method: clinical testing. Allele origin: germline.
Comment: This sequence change falls in intron 4 of the RAD51C gene. It does not directly change the encoded amino acid sequence of the RAD51C protein. It affects a nucleotide within the consensus splice site. This variant is not present in population databases (gnomAD no frequency). This variant has not been reported in the literature in individuals affected with RAD51C-related conditions. ClinVar contains an entry for this variant (Variation ID: 409867). Variants that disrupt the consensus splice site are a relatively common cause of aberrant splicing (PMID: 17576681, 9536098). Algorithms developed to predict the effect of sequence changes on RNA splicing suggest that this variant is not likely to affect RNA splicing. In summary, the available evidence is currently insufficient to determine the role of this variant in disease. Therefore, it has been classified as a Variant of Uncertain Significance.

Ambry Genetics
Classification: Likely benign for Hereditary cancer-predisposing syndrome. Last evaluated: 2020-07-17. Review status: criteria provided, single submitter. Criteria: Ambry Variant Classification Scheme 2023. Collection method: clinical testing. Allele origin: germline.

Color Diagnostics, LLC DBA Color Health
Classification: Likely benign for Hereditary cancer-predisposing syndrome. Last evaluated: 2016-11-14. Review status: criteria provided, single submitter. Criteria: ACMG Guidelines, 2015. Collection method: clinical testing. Allele origin: germline.

Literature cited by the submitters: PubMed 17576681 (cited by Labcorp Genetics (formerly Invitae), Labcorp); PubMed 9536098 (cited by Labcorp Genetics (formerly Invitae), Labcorp).